The following is an entry in ClinVar:

NM_000038.6(APC):c.7264A>G (p.Thr2422Ala)

Gene: APC (APC regulator of Wnt signaling pathway; plus strand). Cytogenetic location: 5q22.2.
Variant type: single nucleotide variant.
Coding change: c.7264A>G on transcript NM_000038.6 (MANE Select); coding-DNA position 7264, A replaced by G.
Protein change: p.Thr2422Ala; replaces threonine 2422 with alanine.
Molecular consequence: missense variant.
Genome position (GRCh38, 1-based): chr5:112,842,858, A>G. VCF-style: chr5-112842858-A-G. GRCh37 (hg19) VCF-style: chr5-112178555-A-G.
Other names: p.T2422A:ACT>GCT; c.7264A>G, p.Thr2422Ala (NM_001127510.3, NM_001354895.2); c.7210A>G, p.Thr2404Ala (NM_001127511.3); c.7318A>G, p.Thr2440Ala (NM_001354896.2); c.7294A>G, p.Thr2432Ala (NM_001354897.2); c.7189A>G, p.Thr2397Ala (NM_001354898.2); c.7180A>G, p.Thr2394Ala (NM_001354899.2); c.7141A>G, p.Thr2381Ala (NM_001354900.2); and 6 more; short protein forms T2404A, T2422A, T2139A, T2262A, T2296A, T2321A, T2363A, T2381A.
Identifiers: ClinVar variation 181819 (VCV000181819.32), dbSNP rs730881260, ClinGen allele CA012961.

ClinVar aggregate classification (germline): Conflicting classifications of pathogenicity. Review status: criteria provided, conflicting classifications (1 of 4 stars). 10 submissions from 10 submitters: Uncertain significance (9); Likely benign (1). Last evaluated 2026-01-19.

Conditions:
Classic or attenuated familial adenomatous polyposis. Identifiers: MedGen CN372698, MONDO:0021057.
Hereditary cancer-predisposing syndrome. Also called: Tumor predisposition; Hereditary Cancer Syndrome; Hereditary neoplastic syndrome; Neoplastic Syndromes, Hereditary. Identifiers: Orphanet 140162, MedGen C0027672, MeSH D009386, MONDO:0015356.
Familial adenomatous polyposis 1 (FAP1). Also called: FAMILIAL ADENOMATOUS POLYPOSIS 1, ATTENUATED; POLYPOSIS, ADENOMATOUS INTESTINAL. Identifiers: MedGen C2713442, MONDO:0021056, OMIM 175100. Disease mechanism: loss of function.

Allele frequency attached by ClinVar (database versions not stated): gnomAD 0.00003; TOPMed 0.00004.
gnomAD v4.1: 25 of 1,613,898 alleles (0.0015%); highest among the groups gnomAD compares: East Asian, 0.0045%; no homozygotes.

Submissions (10):

Labcorp Genetics (formerly Invitae), Labcorp
Classification: Uncertain significance for Familial adenomatous polyposis 1. Last evaluated: 2026-01-19. Review status: criteria provided, single submitter. Criteria: Invitae Variant Classification Sherloc (09022015). Collection method: clinical testing. Allele origin: germline.
Comment: This sequence change replaces threonine, which is neutral and polar, with alanine, which is neutral and non-polar, at codon 2422 of the APC protein (p.Thr2422Ala). This variant is present in population databases (rs730881260, gnomAD 0.008%). This variant has not been reported in the literature in individuals affected with APC-related conditions. ClinVar contains an entry for this variant (Variation ID: 181819). Invitae Evidence Modeling of protein sequence and biophysical properties (such as structural, functional, and spatial information, amino acid conservation, physicochemical variation, residue mobility, and thermodynamic stability) indicates that this missense variant is not expected to disrupt APC protein function with a negative predictive value of 95%. In summary, the available evidence is currently insufficient to determine the role of this variant in disease. Therefore, it has been classified as a Variant of Uncertain Significance.

Color Diagnostics, LLC DBA Color Health
Classification: Uncertain significance for Hereditary cancer-predisposing syndrome. Last evaluated: 2025-10-28. Review status: criteria provided, single submitter. Criteria: ACMG Guidelines, 2015. Collection method: clinical testing. Allele origin: germline.
Comment: This missense variant replaces threonine with alanine at codon 2422 of the APC protein. Computational prediction suggests that this variant may not impact protein structure and function. APC is defined as a gene for which primarily truncating variants are known to cause disease (ClinGen HCCP VCEP). To our knowledge, functional studies have not been reported for this variant. This variant has not been reported in individuals affected with APC-related disorders in the literature. This variant has been identified in 25/1613898 chromosomes in the general population by the Genome Aggregation Database (gnomAD). The available evidence is insufficient to determine the role of this variant in disease conclusively. Therefore, this variant is classified as a Variant of Uncertain Significance.

Center for Genomic Medicine, Rigshospitalet, Copenhagen University Hospital
Classification: Uncertain significance. Last evaluated: 2025-03-04. Review status: criteria provided, single submitter. Criteria: ACMG Guidelines, 2015. Collection method: clinical testing. Allele origin: germline.

Baylor Genetics
Classification: Uncertain significance for Familial adenomatous polyposis 1. Last evaluated: 2024-01-08. Review status: criteria provided, single submitter. Criteria: ACMG Guidelines, 2015. Collection method: clinical testing. Allele origin: unknown.

All of Us Research Program, National Institutes of Health
Classification: Uncertain significance for Classic or attenuated familial adenomatous polyposis. Last evaluated: 2023-10-02. Review status: criteria provided, single submitter. Criteria: ACMG Guidelines, 2015. Collection method: clinical testing. Allele origin: germline. Inheritance: Autosomal dominant inheritance. Observed: 4 variant alleles, 4 heterozygotes.
Comment: This missense variant replaces threonine with alanine at codon 2422 of the APC protein. Computational prediction suggests that this variant may not impact protein structure and function (internally defined REVEL score threshold <= 0.5, PMID: 27666373). To our knowledge, functional studies have not been reported for this variant. This variant has not been reported in individuals affected with APC-related disorders in the literature. This variant has been identified in 8/281724 chromosomes in the general population by the Genome Aggregation Database (gnomAD). The available evidence is insufficient to determine the role of this variant in disease conclusively. Therefore, this variant is classified as a Variant of Uncertain Significance.

This study involves interpretation of variants in research participants for the purpose of population health screening. Participant phenotype was not available at the time of variant classification. Additional details can be found in publication PMID: 35346344, PMCID: PMC8962531

Ambry Genetics
Classification: Likely benign for Hereditary cancer-predisposing syndrome. Last evaluated: 2023-05-23. Review status: criteria provided, single submitter. Criteria: Ambry Variant Classification Scheme 2023. Collection method: clinical testing. Allele origin: germline.

GeneDx
Classification: Uncertain significance. Last evaluated: 2022-12-29. Review status: criteria provided, single submitter. Criteria: GeneDx Variant Classification Process June 2021. Collection method: clinical testing. Allele origin: germline. Affected: yes.
Comment: In silico analysis supports that this missense variant does not alter protein structure/function; Observed in controls and not observed in any pancreatic cancer patients (Mizukami et al., 2020); This variant is associated with the following publications: (PMID: 32980694)

Sema4
Classification: Uncertain significance for Hereditary cancer-predisposing syndrome. Last evaluated: 2022-02-10. Review status: criteria provided, single submitter. Criteria: Sema4 Curation Guidelines. Collection method: curation. Allele origin: germline.
Comment: To the best of our knowledge, the APC c.7264A>G (p.T2422A) variant has not been reported in individuals with APC-related disease, but has been reported in healthy controls (PMID: 32980694). It was observed in 8/281724 chromosomes across all populations in the large and broad cohorts of the Genome Aggregation Database (PMID: 32461654). The variant has been reported in ClinVar (Variation ID 181819). Functional studies have not been performed, and in silico predictions of the variant's effect on protein function are inconclusive. The evidence is insufficient to meet ACMG/AMP criteria for classifying the variant as benign or pathogenic. Thus, the clinical significance of this variant is currently uncertain.

Women's Health and Genetics/Laboratory Corporation of America, LabCorp
Classification: Uncertain significance. Last evaluated: 2017-07-28. Review status: criteria provided, single submitter. Criteria: LabCorp Variant Classification Summary - May 2015. Collection method: clinical testing. Allele origin: germline.
Comment: Variant summary: The APC c.7264A>G (p.Thr2422Ala) variant involves the alteration of a non-conserved nucleotide that lies within the adenomatous polyposis coli protein basic domain (InterPro). 2/4 in silico tools predict a benign outcome for this variant (SNPsandGO not captured due to low reliability index). This variant was found in the large control database ExAC at a frequency of 0.0000165 (2/120932 control chromosomes), which does not exceed the estimated maximal expected allele frequency of a pathogenic APC variant (0.0000714). In addition, multiple clinical diagnostic laboratories have classified this variant as one of uncertain significance. The variant of interest has not, to our knowledge, been reported in affected individuals via publications, nor has it been evaluated for functional impact by in vivo/vitro studies. However, because of the absence of clinical information and the lack of functional studies, the variant is classified as a variant of uncertain significance (VUS) until additional information becomes available.

Quest Diagnostics Nichols Institute San Juan Capistrano
Classification: Uncertain significance. Last evaluated: 2017-03-31. Review status: criteria provided, single submitter. Criteria: Quest Diagnostics criteria. Collection method: clinical testing. Allele origin: germline.

Literature cited by the submitters: PubMed 32980694 (cited by Sema4).